The following is an entry in ClinVar:

NM_032520.5(GNPTG):c.780dup (p.Gly261fs)

Gene: GNPTG (N-acetylglucosamine-1-phosphate transferase subunit gamma; plus strand). Cytogenetic location: 16p13.3.
Variant type: Duplication.
Coding change: c.780dup on transcript NM_032520.5 (MANE Select); coding-DNA position 780, one base duplicated (A; older notation c.780dupA).
Protein change: p.Gly261fs; shifts the reading frame from glycine 261.
Molecular consequence: frameshift variant.
Genome position (GRCh38, 1-based): chr16:1,362,863, A duplicated; the last of 3 consecutive A bases (chr16:1,362,861-1,362,863); duplicating any one gives the same sequence. VCF-style (leftmost placement, unchanged base first): chr16-1362860-G-GA. GRCh37 (hg19) VCF-style: chr16-1412861-G-GA.
Other names: c.780dupA (NM_032520.4); short protein forms G261fs.
Identifiers: ClinVar variation 2156203 (VCV002156203.2), dbSNP rs754893828, ClinGen allele CA7807946.

ClinVar aggregate classification (germline): Conflicting classifications of pathogenicity. Review status: criteria provided, conflicting classifications (1 of 4 stars). 2 submissions from 2 submitters: Likely pathogenic (1); Uncertain significance (1). Last evaluated 2025-02-03.

Conditions:
GNPTG-mucolipidosis. Also called: MUCOLIPIDOSIS III, COMPLEMENTATION GROUP C; MUCOLIPIDOSIS III, IRANIAN VARIANT FORM; MUCOLIPIDOSIS III, VARIANT FORM; ML III GAMMA; ML IIIC; Mucolipidosis type III gamma. Identifiers: Orphanet 423470, Orphanet 577, MedGen C1854896, MONDO:0009652, OMIM 252605.

Submissions (2):

Natera, Inc.
Classification: Likely pathogenic for Mucolipidosis III gamma. Last evaluated: 2025-02-03. Review status: criteria provided, single submitter. Criteria: Natera Variant Classification Schema (03/2026). Collection method: clinical testing. Allele origin: germline.
Comment: The c.780dupA variant in GNPTG is a frameshift variant predicted to shift the reading frame beginning at codon 261 and leads to a stop codon 38 codons downstream. This variant is expected to result in nonsense mediated decay, truncation, or a dysfunctional protein product. This variant is rare in the general population with a frequency below the threshold expected for the associated phenotype(s). Given the available evidence, this variant is classified as Likely Pathogenic.

Labcorp Genetics (formerly Invitae), Labcorp
Classification: Uncertain significance. Last evaluated: 2022-05-24. Review status: criteria provided, single submitter. Criteria: Invitae Variant Classification Sherloc (09022015). Collection method: clinical testing. Allele origin: germline.
Comment: This sequence change creates a premature translational stop signal (p.Gly261Argfs*38) in the GNPTG gene. While this is not anticipated to result in nonsense mediated decay, it is expected to disrupt the last 45 amino acid(s) of the GNPTG protein. This variant is present in population databases (rs754893828, gnomAD 0.02%). This variant has not been reported in the literature in individuals affected with GNPTG-related conditions. In summary, the available evidence is currently insufficient to determine the role of this variant in disease. Therefore, it has been classified as a Variant of Uncertain Significance.